The following is an entry in ClinVar:

NM_004530.6(MMP2):c.863G>C (p.Gly288Ala)

Gene: MMP2 (matrix metallopeptidase 2; plus strand). Cytogenetic location: 16q12.2.
Variant type: single nucleotide variant.
Coding change: c.863G>C on transcript NM_004530.6 (MANE Select); coding-DNA position 863, G replaced by C.
Protein change: p.Gly288Ala; replaces glycine 288 with alanine.
Molecular consequence: missense variant.
Genome position (GRCh38, 1-based): chr16:55,488,573, G>C. VCF-style: chr16-55488573-G-C. GRCh37 (hg19) VCF-style: chr16-55522485-G-C.
Other names: c.713G>C, p.Gly238Ala (NM_001127891.3); c.635G>C, p.Gly212Ala (NM_001302508.1, NM_001302509.2, NM_001302510.2); short protein forms G238A, G288A, G212A.
Identifiers: ClinVar variation 2084199 (VCV002084199.4), dbSNP rs763487025, ClinGen allele CA8060236.
Genomic context (GRCh38, chr16:55,488,573, plus strand): 5'-CACATCCTTCCCTCTCTCCCCCACCCTTAGCCCTGTTCACCATGGGCGGCAACGCTGAAG[G>C]ACAGCCCTGCAAGTTTCCATTCCGCTTCCAGGGCACATCCTATGACAGCTGCACCACTGA-3'
Protein context (NP_004521.1, residues 278-298): ALFTMGGNAE[Gly288Ala]QPCKFPFRFQ

ClinVar aggregate classification (germline): Uncertain significance (1 of 4 stars; one submission).

Allele frequency attached by ClinVar (database versions not stated): ExAC 0.00001; gnomAD exomes 0.00001.
gnomAD v4.1: 4 of 1,613,812 alleles (0.00025%); highest among the groups gnomAD compares: Admixed American, 0.0033%; no homozygotes.

Submission:

Labcorp Genetics (formerly Invitae), Labcorp
Classification: Uncertain significance. Last evaluated: 2024-06-03. Review status: criteria provided, single submitter. Criteria: Invitae Variant Classification Sherloc (09022015). Collection method: clinical testing. Allele origin: germline.
Comment: This sequence change replaces glycine, which is neutral and non-polar, with alanine, which is neutral and non-polar, at codon 288 of the MMP2 protein (p.Gly288Ala). This variant is present in population databases (rs763487025, gnomAD 0.003%). This variant has not been reported in the literature in individuals affected with MMP2-related conditions. ClinVar contains an entry for this variant (Variation ID: 2084199). Advanced modeling of protein sequence and biophysical properties (such as structural, functional, and spatial information, amino acid conservation, physicochemical variation, residue mobility, and thermodynamic stability) performed at Invitae indicates that this missense variant is not expected to disrupt MMP2 protein function with a negative predictive value of 80%. In summary, the available evidence is currently insufficient to determine the role of this variant in disease. Therefore, it has been classified as a Variant of Uncertain Significance.